The following is an entry in ClinVar:

NC_000003.11:g.(?_160073781)_(160083960_?)del

Gene: IFT80 (intraflagellar transport 80; minus strand). Cytogenetic location: 3q25.33.
Variant type: Deletion.
Identifiers: ClinVar variation 2426599 (VCV002426599.4).

ClinVar aggregate classification (germline): Pathogenic (1 of 4 stars; one submission).

Conditions:
Jeune thoracic dystrophy. Also called: Short-rib thoracic dysplasia; Jeune syndrome; Infantile thoracic dystrophy; Thoracic pelvic phalangeal dystrophy; Jeune's syndrome; Chondroectodermal dysplasia-like syndrome. Identifiers: Orphanet 474, MedGen C0265275, MONDO:0018770.

Submission:

Labcorp Genetics (formerly Invitae), Labcorp
Classification: Pathogenic for Jeune thoracic dystrophy. Last evaluated: 2023-06-27. Review status: criteria provided, single submitter. Criteria: Invitae Variant Classification Sherloc (09022015). Collection method: clinical testing. Allele origin: germline.
Comment: For these reasons, this variant has been classified as Pathogenic. This variant has not been reported in the literature in individuals affected with IFT80-related conditions. This variant is a gross deletion of the genomic region encompassing exon(s) 6-8 of the IFT80 gene. This deletion is out-of-frame, and is expected to create a premature termination codon and result in an absent or disrupted protein product. Loss-of-function variants in IFT80 are known to be pathogenic (PMID: 21227999, 23339108, 29068549).

Literature cited by the submitters: PubMed 21227999; PubMed 23339108; PubMed 29068549.